The following is an entry in ClinVar:

ClinVar aggregate classification (germline): Uncertain significance (1 of 4 stars; one submission).

Conditions:
Dyskeratosis congenita, autosomal dominant 2. Identifiers: MedGen C3151443, MONDO:0013521, OMIM 613989.
Idiopathic Pulmonary Fibrosis. Also called: Idiopathic fibrosing alveolitis, chronic form; idiopathic fibrosing alveolitis. Identifiers: Orphanet 2032, MedGen C1800706, MeSH D054990, MONDO:0800504.

Submission:

Labcorp Genetics (formerly Invitae), Labcorp
Classification: Uncertain significance for Dyskeratosis congenita, autosomal dominant 2; Idiopathic Pulmonary Fibrosis. Last evaluated: 2024-10-12. Review status: criteria provided, single submitter. Criteria: Invitae Variant Classification Sherloc (09022015). Collection method: clinical testing. Allele origin: germline.
Comment: This sequence change replaces phenylalanine, which is neutral and non-polar, with serine, which is neutral and polar, at codon 806 of the TERT protein (p.Phe806Ser). This variant is not present in population databases (gnomAD no frequency). This variant has not been reported in the literature in individuals affected with TERT-related conditions. ClinVar contains an entry for this variant (Variation ID: 1045522). Invitae Evidence Modeling of protein sequence and biophysical properties (such as structural, functional, and spatial information, amino acid conservation, physicochemical variation, residue mobility, and thermodynamic stability) indicates that this missense variant is expected to disrupt TERT protein function with a positive predictive value of 95%. In summary, the available evidence is currently insufficient to determine the role of this variant in disease. Therefore, it has been classified as a Variant of Uncertain Significance.

NM_198253.3(TERT):c.2417T>C (p.Phe806Ser)

Gene: TERT (telomerase reverse transcriptase; minus strand). Cytogenetic location: 5p15.33.
Variant type: single nucleotide variant.
Coding change: c.2417T>C on transcript NM_198253.3 (MANE Select); coding-DNA position 2417, T replaced by C.
Protein change: p.Phe806Ser; replaces phenylalanine 806 with serine.
Molecular consequence: missense variant.
Genome position (GRCh38, 1-based): chr5:1,271,170, A>G on the plus strand (T>C on the coding strand, the complement: TERT is on the minus strand). VCF-style: chr5-1271170-A-G. GRCh37 (hg19) VCF-style: chr5-1271285-A-G.
Other names: c.2417T>C, p.Phe806Ser (NM_001193376.3); short protein forms F806S.
Identifiers: ClinVar variation 1045522 (VCV001045522.9), dbSNP rs1749004999, ClinGen allele CA359075765.